The following is an entry in ClinVar:

ClinVar aggregate classification (germline): Uncertain significance (1 of 4 stars; one submission).

Submission:

Labcorp Genetics (formerly Invitae), Labcorp
Classification: Uncertain significance. Last evaluated: 2024-10-24. Review status: criteria provided, single submitter. Criteria: Invitae Variant Classification Sherloc (09022015). Collection method: clinical testing. Allele origin: germline.
Comment: This sequence change replaces isoleucine, which is neutral and non-polar, with threonine, which is neutral and polar, at codon 121 of the GHR protein (p.Ile121Thr). This variant is not present in population databases (gnomAD no frequency). This variant has not been reported in the literature in individuals affected with GHR-related conditions. Invitae Evidence Modeling of protein sequence and biophysical properties (such as structural, functional, and spatial information, amino acid conservation, physicochemical variation, residue mobility, and thermodynamic stability) indicates that this missense variant is not expected to disrupt GHR protein function with a negative predictive value of 80%. In summary, the available evidence is currently insufficient to determine the role of this variant in disease. Therefore, it has been classified as a Variant of Uncertain Significance.

NM_000163.5(GHR):c.362T>C (p.Ile121Thr)

Gene: GHR (growth hormone receptor; plus strand). Cytogenetic location: 5p12.
Variant type: single nucleotide variant.
Coding change: c.362T>C on transcript NM_000163.5 (MANE Select); coding-DNA position 362, T replaced by C.
Protein change: p.Ile121Thr; replaces isoleucine 121 with threonine.
Molecular consequence: missense variant.
Genome position (GRCh38, 1-based): chr5:42,695,012, T>C. VCF-style: chr5-42695012-T-C. GRCh37 (hg19) VCF-style: chr5-42695114-T-C.
Other names: c.296T>C, p.Ile99Thr (NM_001242460.2); c.362T>C, p.Ile121Thr (NM_001242462.1, NM_001242400.2, NM_001242401.4 and 5 more transcripts); c.383T>C, p.Ile128Thr (NM_001242399.2); short protein forms I121T, I128T, I99T.
Identifiers: ClinVar variation 3693877 (VCV003693877.2).